The following is an entry in ClinVar:

NM_001352702.2(PTK2):c.2292G>A (p.Pro764=)

Gene: PTK2 (protein tyrosine kinase 2; minus strand). Cytogenetic location: 8q24.3.
Variant type: single nucleotide variant.
Coding change: c.2292G>A on transcript NM_001352702.2 (MANE Select); coding-DNA position 2292, G replaced by A.
Protein change: p.Pro764=; no amino-acid change (proline 764 retained).
Molecular consequence: synonymous variant. On other transcripts: non-coding transcript variant (7).
Genome position (GRCh38, 1-based): chr8:140,706,179, C>T on the plus strand (G>A on the coding strand, the complement: PTK2 is on the minus strand). VCF-style: chr8-140706179-C-T. GRCh37 (hg19) VCF-style: chr8-141716278-C-T.
Other names: c.2169G>A, p.Pro723= (NM_001387645.1, NM_001387647.1, NM_001387655.1 and 22 more transcripts); c.2301G>A, p.Pro767= (NM_001387646.1, NM_001387648.1, NM_001387650.1 and 4 more transcripts); c.2340G>A, p.Pro780= (NM_001387649.1); c.1830G>A, p.Pro610= (NM_001387652.1, NM_001387654.1, NM_001352741.2 and 10 more transcripts); c.2061G>A, p.Pro687= (NM_001387653.1, NM_001352728.2, NM_001387619.1); c.2235G>A, p.Pro745= (NM_005607.5); c.1869G>A, p.Pro623= (NM_001316342.2, NM_001352696.2, NM_001352738.2 and 3 more transcripts); c.2271G>A, p.Pro757= (NM_001352695.2, NM_001352704.2); and 27 more.
Identifiers: ClinVar variation 2658869 (VCV002658869.24), dbSNP rs137889456, ClinGen allele CA4895183.
Genomic context (GRCh38, chr8:140,706,179, plus strand): 5'-CTGGTAATGATTGGTTTGTACCATGTGCTGTGGGCTGGGATAAAATCCTTCGCTGGACCT[C>T]GGACTGGGATAACCCGGTCTGCTGGGCTGTAAAATCAAGAGAGCATCATATGAATGAACC-3'
Protein context (NP_001339631.1, residues 754-774): PKPSRPGYPS[Pro764=]RSSEGFYPSP

ClinVar aggregate classification (germline): Likely benign (1 of 4 stars; one submission).

Allele frequency attached by ClinVar (database versions not stated): TOPMed 0.00001; gnomAD exomes 0.00007; gnomAD 0.00012; ExAC 0.00021.
gnomAD v4.1: 128 of 1,613,314 alleles (0.0079%); highest among the groups gnomAD compares: Non-Finnish European, 0.003%; no homozygotes.

Submission:

CeGaT Center for Human Genetics Tuebingen
Classification: Likely benign. Last evaluated: 2023-07-01. Review status: criteria provided, single submitter. Criteria: CeGaT Center For Human Genetics Tuebingen Variant Classification Criteria Version 2. Collection method: clinical testing. Allele origin: germline. Affected: yes. Observed: 1 variant allele.
Comment: PTK2: BP4, BP7